The following is an entry in ClinVar:

NM_002133.3(HMOX1):c.839C>A (p.Thr280Lys)

Gene: HMOX1 (heme oxygenase 1; plus strand). Cytogenetic location: 22q12.3.
Variant type: single nucleotide variant.
Coding change: c.839C>A on transcript NM_002133.3 (MANE Select); coding-DNA position 839, C replaced by A.
Protein change: p.Thr280Lys; replaces threonine 280 with lysine.
Molecular consequence: missense variant.
Genome position (GRCh38, 1-based): chr22:35,393,570, C>A. VCF-style: chr22-35393570-C-A. GRCh37 (hg19) VCF-style: chr22-35789563-C-A.
Other names: c.839C>A (NM_002133.2); short protein forms T280K.
Identifiers: ClinVar variation 1447975 (VCV001447975.10), dbSNP rs374133554, ClinGen allele CA10204851.
Genomic context (GRCh38, chr22:35,393,570, plus strand): 5'-ACACCCGCTCCCAGGCTCCGCTTCTCCGATGGGTCCTTACACTCAGCTTTCTGGTGGCGA[C>A]AGTTGCTGTAGGGCTTTATGCCATGTGAATGCAGGCATGCTGGCTCCCAGGGCCATGAAC-3'
Protein context (NP_002124.1, residues 270-288): WVLTLSFLVA[Thr280Lys]VAVGLYAM

ClinVar aggregate classification (germline): Uncertain significance. Review status: criteria provided, multiple submitters, no conflicts (2 of 4 stars). 3 submissions from 3 submitters: Uncertain significance (3). Last evaluated 2024-11-14.

Allele frequency attached by ClinVar (database versions not stated): gnomAD 0.00002; TOPMed 0.00002; ExAC 0.00003; gnomAD exomes 0.00004 and 0.00005; ESP Exome Variant Server 0.00008.
gnomAD v4.1: 72 of 1,614,102 alleles (0.0045%); highest among the groups gnomAD compares: Non-Finnish European, 0.0057%; no homozygotes.

Submissions (3):

Blueprint Genetics
Classification: Uncertain significance. Last evaluated: 2024-11-14. Review status: criteria provided, single submitter. Criteria: ACMG Guidelines, 2015. Collection method: clinical testing. Allele origin: germline.

Labcorp Genetics (formerly Invitae), Labcorp
Classification: Uncertain significance. Last evaluated: 2024-10-23. Review status: criteria provided, single submitter. Criteria: Invitae Variant Classification Sherloc (09022015). Collection method: clinical testing. Allele origin: germline.
Comment: This sequence change replaces threonine, which is neutral and polar, with lysine, which is basic and polar, at codon 280 of the HMOX1 protein (p.Thr280Lys). This variant is present in population databases (rs374133554, gnomAD 0.006%). This variant has not been reported in the literature in individuals affected with HMOX1-related conditions. ClinVar contains an entry for this variant (Variation ID: 1447975). An algorithm developed to predict the effect of missense changes on protein structure and function (PolyPhen-2) suggests that this variant is likely to be disruptive. In summary, the available evidence is currently insufficient to determine the role of this variant in disease. Therefore, it has been classified as a Variant of Uncertain Significance.

Ambry Genetics
Classification: Uncertain significance. Last evaluated: 2022-01-18. Review status: criteria provided, single submitter. Criteria: Ambry Variant Classification Scheme 2023. Collection method: clinical testing. Allele origin: germline.